The following is an entry in ClinVar:

NM_003242.6(TGFBR2):c.235A>G (p.Lys79Glu)

Gene: TGFBR2 (transforming growth factor beta receptor 2; plus strand). Cytogenetic location: 3p24.1.
Variant type: single nucleotide variant.
Coding change: c.235A>G on transcript NM_003242.6 (MANE Select); coding-DNA position 235, A replaced by G.
Protein change: p.Lys79Glu; replaces lysine 79 with glutamic acid.
Molecular consequence: missense variant. On other transcripts: intron variant (2).
Genome position (GRCh38, 1-based): chr3:30,644,887, A>G. VCF-style: chr3-30644887-A-G. GRCh37 (hg19) VCF-style: chr3-30686379-A-G.
Other names: c.130A>G, p.Lys44Glu (NM_001407136.1, NM_001407129.1, NM_001407132.1 and 3 more transcripts); c.310A>G, p.Lys104Glu (NM_001407139.1, NM_001024847.3, NM_001407126.1); c.169+21614A>G (NM_001407137.1); c.95-26751A>G (NM_001407138.1); c.235A>G, p.Lys79Glu (NM_001407127.1, NM_001407130.1); c.262A>G, p.Lys88Glu (NM_001407128.1); short protein forms K104E, K44E, K79E, K88E.
Identifiers: ClinVar variation 3070372 (VCV003070372.1), dbSNP rs1698702702, ClinGen allele CA351806614.
Genomic context (GRCh38, chr3:30,644,887, plus strand): 5'-TCCACCTGTGACAACCAGAAATCCTGCATGAGCAACTGCAGCATCACCTCCATCTGTGAG[A>G]AGCCACAGGAAGTCTGTGTGGCTGTATGGTAAGCAAGCCTTTTAAGAAGTTATTCTTTCT-3'
Protein context (NP_003233.4, residues 69-89): SNCSITSICE[Lys79Glu]PQEVCVAVWR

ClinVar aggregate classification (germline): Uncertain significance (1 of 4 stars; one submission).

Conditions:
Loeys-Dietz syndrome 2 (LDS2). Also called: AORTIC ANEURYSM, FAMILIAL THORACIC 3; MARFAN SYNDROME, TYPE II; Marfan syndrome, type 2 (formerly); TGFBR2-Related Loeys-Dietz Syndrome; Marfan Syndrome type 2; Marfan like connective tissue disorder. Identifiers: Orphanet 284973, Orphanet 558, MedGen C2674574, MONDO:0012427, OMIM 610168.

Allele frequency attached by ClinVar (database versions not stated): gnomAD exomes below 0.00001.
gnomAD v4.1: 1 of 1,614,166 alleles (0.000062%); highest among the groups gnomAD compares: Non-Finnish European, 0.000085%; no homozygotes.

Submission:

All of Us Research Program, National Institutes of Health
Classification: Uncertain significance for Loeys-Dietz syndrome 2. Last evaluated: 2023-04-10. Review status: criteria provided, single submitter. Criteria: ACMG Guidelines, 2015. Collection method: clinical testing. Allele origin: germline. Inheritance: Autosomal dominant inheritance. Observed: 1 variant allele, 1 heterozygote.
Comment: This missense variant replaces lysine with glutamic acid at codon 79 of the TGFBR2 protein. Computational prediction suggests that this variant may not impact protein structure and function (internally defined REVEL score threshold <= 0.5, PMID: 27666373). To our knowledge, functional studies have not been reported for this variant. This variant has not been reported in individuals affected with TGFBR2-related disorders in the literature. This variant has not been identified in the general population by the Genome Aggregation Database (gnomAD). The available evidence is insufficient to determine the role of this variant in disease conclusively. Therefore, this variant is classified as a Variant of Uncertain Significance.

This study involves interpretation of variants in research participants for the purpose of population health screening. Participant phenotype was not available at the time of variant classification. Additional details can be found in publication PMID: 35346344, PMCID: PMC8962531